The following is an entry in ClinVar:

NM_033215.5(PPP1R3F):c.828C>G (p.Asn276Lys)

Gene: PPP1R3F (protein phosphatase 1 regulatory subunit 3F; plus strand). Cytogenetic location: Xp11.23.
Variant type: single nucleotide variant.
Coding change: c.828C>G on transcript NM_033215.5 (MANE Select); coding-DNA position 828, C replaced by G.
Protein change: p.Asn276Lys; replaces asparagine 276 with lysine.
Molecular consequence: missense variant. On other transcripts: intron variant (1).
Genome position (GRCh38, 1-based): chrX:49,270,697, C>G. VCF-style: chrX-49270697-C-G. GRCh37 (hg19) VCF-style: chrX-49127160-C-G.
Other names: c.-32+764C>G (NM_001184745.2); short protein forms N276K.
Identifiers: ClinVar variation 3236582 (VCV003236582.2), dbSNP rs2519212547, ClinGen allele CA412957723.

ClinVar aggregate classification (germline): Uncertain significance (1 of 4 stars; one submission).

Conditions:
PPP1R3F Associated Neurodevelopmental Disorder.

Allele frequency attached by ClinVar (database versions not stated): gnomAD exomes below 0.00001.
gnomAD v4.1: 2 of 1,208,610 alleles (0.00017%); highest among the groups gnomAD compares: Non-Finnish European, 0.00022%; no homozygotes.

Submission:

Clinical Genomics Laboratory, Washington University in St. Louis
Classification: Uncertain significance for PPP1R3F Associated Neurodevelopmental Disorder. Last evaluated: 2024-03-09. Review status: criteria provided, single submitter. Criteria: ACMG Guidelines, 2015. Collection method: clinical testing. Allele origin: germline.
Comment: The PPP1R3F c.828C>G (p.Asn276Lys) variant, to our knowledge, has not been reported in the medical literature and is absent from the general population (gnomAD v.2.1.1), indicating it is not a common variant. Computational predictors indicate that the variant is damaging, evidence that correlates with impact to PPP1R3F function. Due to limited information, and based on ACMG/AMP guidelines for variant interpretation (Richards S et al., PMID: 25741868), the clinical significance of this variant is uncertain at this time.